The following is an entry in ClinVar:

ClinVar aggregate classification (germline): Pathogenic/Likely pathogenic. Review status: criteria provided, multiple submitters, no conflicts (2 of 4 stars). 2 submissions from 2 submitters: Pathogenic (1); Likely pathogenic (1). Last evaluated 2021-11-30.

Conditions:
Hereditary cancer-predisposing syndrome. Also called: Neoplastic Syndromes, Hereditary; Tumor predisposition; Hereditary Cancer Syndrome; Hereditary neoplastic syndrome. Identifiers: Orphanet 140162, MedGen C0027672, MeSH D009386, MONDO:0015356.
Ataxia-telangiectasia-like disorder 1 (ATLD1). Identifiers: Orphanet 251347, MedGen C4012790, MONDO:0024557, OMIM 604391.

Submissions (2):

Baylor Genetics
Classification: Likely pathogenic for Ataxia-telangiectasia-like disorder 1. Last evaluated: 2021-11-30. Review status: criteria provided, single submitter. Criteria: ACMG Guidelines, 2015. Collection method: clinical testing. Allele origin: unknown.

Ambry Genetics
Classification: Pathogenic for Hereditary cancer-predisposing syndrome. Last evaluated: 2018-02-16. Review status: criteria provided, single submitter. Criteria: Ambry Variant Classification Scheme 2023. Collection method: clinical testing. Allele origin: germline.
Comment: The c.923dupT pathogenic mutation, located in coding exon 8 of the MRE11A gene, results from a duplication of T at nucleotide position 923, causing a translational frameshift with a predicted alternate stop codon (p.M309Hfs*8). This alteration is expected to result in loss of function by premature protein truncation or nonsense-mediated mRNA decay. As such, this alteration is interpreted as a disease-causing mutation.

NM_005591.4(MRE11):c.923dup (p.Met309fs)

Gene: MRE11 (MRE11 double strand break repair nuclease; minus strand). Cytogenetic location: 11q21.
Variant type: Duplication.
Coding change: c.923dup on transcript NM_005591.4 (MANE Select); coding-DNA position 923, one base duplicated (T; older notation c.923dupT).
Protein change: p.Met309fs; shifts the reading frame from methionine 309.
Molecular consequence: frameshift variant.
Genome position (GRCh38, 1-based): chr11:94,470,565, A duplicated on the plus strand (T on the coding strand, the reverse complement: MRE11 is on the minus strand); the first of 5 consecutive A bases (chr11:94,470,565-94,470,569); duplicating any one gives the same sequence. VCF-style (leftmost placement, unchanged base first): chr11-94470564-G-GA. GRCh37 (hg19) VCF-style: chr11-94203730-G-GA.
Other names: c.923dup, p.Met309fs (NM_001330347.2, NM_005590.4); c.923dupT (NM_005591.3); short protein forms M309fs.
Identifiers: ClinVar variation 141542 (VCV000141542.6), dbSNP rs587781828, ClinGen allele CA165722.